The following continues an entry in ClinVar:

NM_000518.5(HBB):c.92+6T>C

ClinVar aggregate classification (germline): Pathogenic/Likely pathogenic. Pathogenic (28); Likely pathogenic (2).

Submissions 24 to 34 of 34:

Myriad Genetics, Inc.
Classification: Pathogenic for Beta-thalassemia HBB/LCRB. Last evaluated: 2019-12-09. Review status: criteria provided, single submitter. Criteria: Myriad Women's Health Autosomal Recessive and X-Linked Classification Criteria (2019). Collection method: clinical testing. Allele origin: unknown.
Comment: NM_000518.4(HBB):c.92+6T>C(aka IVS-I-6T>C) is classified as pathogenic in the context of Hb beta chain-related hemoglobinopathy; it is associated with beta thalassemia and is classified as a beta-plus variant. Sources cited for classification include the following: PMID 7522523, 2200760, and 23321370. Classification of NM_000518.4(HBB):c.92+6T>C(aka IVS-I-6T>C) is based on the following criteria: This is a well-established pathogenic variant in the literature that has been observed more frequently in patients with clinical diagnoses than in healthy populations. Please note: this variant was assessed in the context of healthy population screening.

Mayo Clinic Laboratories, Mayo Clinic
Classification: Pathogenic. Last evaluated: 2019-05-09. Review status: criteria provided, single submitter. Criteria: ACMG Guidelines, 2015. Collection method: clinical testing. Allele origin: germline. Observed: 1 variant allele.

Fulgent Genetics
Classification: Pathogenic for Heinz body anemia; Hereditary persistence of fetal hemoglobin; Dominant beta-thalassemia; Hb SS disease; alpha Thalassemia; Malaria, susceptibility to; Beta-thalassemia HBB/LCRB; METHEMOGLOBINEMIA, BETA TYPE; Erythrocytosis, familial, 6. Last evaluated: 2018-10-31. Review status: criteria provided, single submitter. Criteria: ACMG Guidelines, 2015. Collection method: clinical testing. Allele origin: unknown.

Illumina Laboratory Services, Illumina
Classification: Pathogenic for Beta-thalassemia HBB/LCRB. Last evaluated: 2018-08-14. Review status: criteria provided, single submitter. Criteria: ICSL Variant Classification Criteria 09 May 2019. Collection method: clinical testing. Allele origin: germline.
Comment: The HBB c.92+6T>C variant, widely known as IVS-I-6, is a well-described and common cause of beta thalassemia, with the greatest frequency among Mediterranean and Middle-Eastern populations, accounting for up to 48.5 percent of disease alleles in some populations (El-Latif et al. 2002; Origa et al. 2015). Individuals who are homozygous or compound heterozygous for the c.92+6T>C variant display a range of disease phenotypes from beta thalassemia intermedia to beta thalassemia major (El-Latif et al. 2002; Origa et al. 2015). Across a selection of available literature, the c.92+6T>C variant has been identified in a homozygous state in at least 42 patients and in a compound heterozygous state with a second pathogenic variant in at least 21 individuals, with symptoms ranging from non-transfusion dependent beta thalassemia to transfusion dependent beta thalassemia major (El-Latif et al. 2002; Kakavas et al. 2006; El-Gawhary et al. 2007; Bell et al. 2011). Control data are unavailable for the c.92+6T>C variant, which is reported at a frequency of 0.00046 in the Other population of the Genome Aggregation Database. RT-PCR experiments demonstrated that the c.92+6T>C variant produces aberrantly spliced mRNA transcripts in samples derived from homozygous patients or a transgenic mouse line (TG-Î²-IVSI-6) (Breveglieri et al. 2015). Haplotype analysis has also shown the c.92+6T>C variant is linked to two beta-globin cluster haplotypes, Mediterranean VI and VII (El-Latif et al. 2002; Chen et al. 2015). Based on the collective evidence, the c.92+6T>C variant is classified as pathogenic for beta thalassemia. This variant was observed by ICSL as part of a predisposition screen in an ostensibly healthy population.

Ambry Genetics
Classification: Pathogenic for Inborn genetic diseases. Last evaluated: 2015-07-22. Review status: criteria provided, single submitter. Criteria: Ambry Variant Classification Scheme 2023. Collection method: clinical testing. Allele origin: germline.
Comment: The c.92+6T>C (also known as IVS1-6T>C in the literature) intronic pathogenic mutation results from a T to C substitution 6 nucleotides after coding exon 1 in the HBB gene. This mutation is a prevalent pathogenic mutation in the Mediterranean population (Origa R. Beta-Thalassemia. 2000 Sep 28 [Updated 2015 May 14]. In: Pagon RA, Adam MP, Ardinger HH, et al., editors. GeneReviews&reg; [Internet]. Seattle (WA): University of Washington, Seattle; 1993-2015. In one study of patients from three countries of the Mediterranean basin (Italy, France, Malta), this mutation was reportedly detected in conjunction with the p.Q40* (c.118C>T) pathogenic mutation in HBB in 4.1% of 890 beta-thalassemia patients (Danjou F, Haematologica 2015 Apr; 100(4):452-7). This mutation accounted for 31% of alleles in a small Brazilian beta-thalassemia population (Fernandes AC, Hemoglobin 2011 ; 35(4):358-66). Based on the supporting evidence, c.92+6T>C is interpreted as a disease-causing mutation.

Baylor Genetics
Classification: Pathogenic for Hb SS disease. Review status: criteria provided, single submitter. Criteria: ACMG Guidelines, 2015. Collection method: clinical testing. Allele origin: germline.

Clinical Genetics Service, Universitary Hospital 12 de Octubre
Classification: Pathogenic for Beta-thalassemia HBB/LCRB. Review status: criteria provided, single submitter. Criteria: ACMG Guidelines, 2015. Collection method: clinical testing. Allele origin: germline. Affected: yes.

The ITHANET community portal, The Cyprus Institute of Neurology and Genetics
Classification: Pathogenic for beta Thalassemia. Last evaluated: 2019-11-25. Review status: no assertion criteria provided. Collection method: curation. Allele origin: germline. Not counted in ClinVar's aggregate classification.

Baylor Genetics
Classification: Pathogenic for Beta-thalassemia HBB/LCRB. Last evaluated: 2015-07-01. Review status: no assertion criteria provided. Collection method: clinical testing. Allele origin: de novo. Inheritance: Autosomal dominant inheritance. Affected: yes. Observed: 3 variant alleles, 3 heterozygotes. Not counted in ClinVar's aggregate classification.
Comment: The HBB variant has been previously reported as disease-causing (PMID 20395516, 21797703, 21228398).

OMIM
Classification: Pathogenic for BETA-PLUS-THALASSEMIA. Last evaluated: 1982-04-15. Review status: no assertion criteria provided. Collection method: literature only. Allele origin: germline. Not counted in ClinVar's aggregate classification.

GeneReviews
No classification provided. Condition: beta Thalassemia. Review status: no classification provided. Collection method: literature only. Allele origin: germline. Not counted in ClinVar's aggregate classification.

Literature cited by the submitters: PubMed 11939510 (cited by 3 submitters); PubMed 29700171 (cited by Victorian Clinical Genetics Services, Murdoch Childrens Research Institute); PubMed 20301599 (cited by 3 submitters); PubMed 31788855 (cited by Victorian Clinical Genetics Services, Murdoch Childrens Research Institute); PubMed 26097845 (cited by 6 submitters); PubMed 32420772 (cited by Victorian Clinical Genetics Services, Murdoch Childrens Research Institute); PubMed 2200760 (cited by 4 submitters); PubMed 7668219 (cited by Labcorp Genetics (formerly Invitae), Labcorp and Dasa); PubMed 21797703 (cited by 5 submitters); PubMed 25856402 (cited by 4 submitters); PubMed 28366028 (cited by 3 submitters); PubMed 28391758 (cited by 3 submitters); PubMed 28670940 (cited by Labcorp Genetics (formerly Invitae), Labcorp and Dasa); PubMed 17576681 (cited by Labcorp Genetics (formerly Invitae), Labcorp); PubMed 9536098 (cited by Labcorp Genetics (formerly Invitae), Labcorp); PubMed 34258108 (cited by Natera, Inc.); PubMed 32732363 (cited by Natera, Inc.); PubMed 38993732 (cited by Dasa); PubMed 6280057 (cited by 5 submitters); PubMed 2446680 (cited by Women's Health and Genetics/Laboratory Corporation of America, LabCorp); PubMed 6188062 (cited by Women's Health and Genetics/Laboratory Corporation of America, LabCorp); PubMed 25155404 (cited by Women's Health and Genetics/Laboratory Corporation of America, LabCorp); PubMed 26076396 (cited by Center for Genomic Medicine, Rigshospitalet, Copenhagen University Hospital); PubMed 25480500 (cited by Laboratory for Molecular Medicine, Mass General Brigham Personalized Medicine and Ambry Genetics); PubMed 7522523 (cited by Myriad Genetics, Inc. and Mayo Clinic Laboratories, Mayo Clinic); PubMed 23321370 (cited by Myriad Genetics, Inc.); PubMed 6821648 (cited by Mayo Clinic Laboratories, Mayo Clinic); PubMed 8518184 (cited by Mayo Clinic Laboratories, Mayo Clinic); PubMed 8454469 (cited by Mayo Clinic Laboratories, Mayo Clinic); PubMed 16470532 (cited by Illumina Laboratory Services, Illumina); PubMed 17365006 (cited by Illumina Laboratory Services, Illumina); PubMed 21228398 (cited by Illumina Laboratory Services, Illumina and Baylor Genetics); PubMed 20395516 (cited by Ambry Genetics and Baylor Genetics); PubMed 6189507 (cited by The ITHANET community portal, The Cyprus Institute of Neurology and Genetics); PubMed 22975760 (cited by Baylor Genetics); PubMed 23348723 (cited by Baylor Genetics); NCBI Bookshelf NBK1426 (cited by GeneReviews).